The following is an entry in ClinVar:

NM_000038.6(APC):c.1091A>G (p.Asp364Gly)

Gene: APC (APC regulator of Wnt signaling pathway; plus strand). Cytogenetic location: 5q22.2.
Variant type: single nucleotide variant.
Coding change: c.1091A>G on transcript NM_000038.6 (MANE Select); coding-DNA position 1091, A replaced by G.
Protein change: p.Asp364Gly; replaces aspartic acid 364 with glycine.
Molecular consequence: missense variant. On other transcripts: intron variant (4).
Genome position (GRCh38, 1-based): chr5:112,819,123, A>G. VCF-style: chr5-112819123-A-G. GRCh37 (hg19) VCF-style: chr5-112154820-A-G.
Other names: c.1091A>G, p.Asp364Gly (NM_001127510.3, NM_001354895.2, NM_001354896.2); c.1037A>G, p.Asp346Gly (NM_001127511.3); c.1121A>G, p.Asp374Gly (NM_001354897.2); c.1016A>G, p.Asp339Gly (NM_001354898.2); c.1007A>G, p.Asp336Gly (NM_001354899.2); c.914A>G, p.Asp305Gly (NM_001354900.2, NM_001354901.2); c.242A>G, p.Asp81Gly (NM_001354906.2); c.964-146A>G (NM_001354902.2); and 3 more; short protein forms D364G, D305G, D81G, D339G, D346G, D336G, D374G.
Identifiers: ClinVar variation 921814 (VCV000921814.19), dbSNP rs1762830966, ClinGen allele CA16023701.
Genomic context (GRCh38, chr5:112,819,123, plus strand): 5'-GTATATCCATGCGACAGTCTGGATGTCTTCCTCTCCTCATCCAGCTTTTACATGGCAATG[A>G]CAAAGACTCTGTATTGTTGGGAAATTCCCGGGGCAGTAAAGAGGCTCGGGCCAGGGCCAG-3'
Protein context (NP_000029.2, residues 354-374): PLLIQLLHGN[Asp364Gly]KDSVLLGNSR

ClinVar aggregate classification (germline): Uncertain significance. Review status: criteria provided, multiple submitters, no conflicts (2 of 4 stars). 4 submissions from 4 submitters: Uncertain significance (4). Last evaluated 2024-08-06.

Conditions:
Classic or attenuated familial adenomatous polyposis. Identifiers: MedGen CN372698, MONDO:0021057.
Hereditary cancer-predisposing syndrome. Also called: Neoplastic Syndromes, Hereditary; Tumor predisposition; Hereditary Cancer Syndrome; Hereditary neoplastic syndrome. Identifiers: Orphanet 140162, MedGen C0027672, MeSH D009386, MONDO:0015356.
Familial adenomatous polyposis 1 (FAP1). Also called: FAMILIAL ADENOMATOUS POLYPOSIS 1, ATTENUATED; POLYPOSIS, ADENOMATOUS INTESTINAL. Identifiers: MedGen C2713442, MONDO:0021056, OMIM 175100. Disease mechanism: loss of function.

Allele frequency attached by ClinVar (database versions not stated): gnomAD exomes below 0.00001.
gnomAD v4.1: 2 of 1,614,122 alleles (0.00012%); highest among the groups gnomAD compares: Non-Finnish European, 0.000085%; no homozygotes.

Submissions (4):

All of Us Research Program, National Institutes of Health
Classification: Uncertain significance for Classic or attenuated familial adenomatous polyposis. Last evaluated: 2024-08-06. Review status: criteria provided, single submitter. Criteria: ACMG Guidelines, 2015. Collection method: clinical testing. Allele origin: germline. Inheritance: Autosomal dominant inheritance. Observed: 2 variant alleles, 2 heterozygotes.
Comment: This missense variant replaces aspartic acid with glycine at codon 364 of the APC protein. Computational prediction suggests that this variant may not impact protein structure and function (internally defined REVEL score threshold <= 0.5, PMID: 27666373). To our knowledge, functional studies have not been reported for this variant. This variant has not been reported in individuals affected with hereditary cancer in the literature. This variant has not been identified in the general population by the Genome Aggregation Database (gnomAD). The available evidence is insufficient to determine the role of this variant in disease conclusively. Therefore, this variant is classified as a Variant of Uncertain Significance.

This study involves interpretation of variants in research participants for the purpose of population health screening. Participant phenotype was not available at the time of variant classification. Additional details can be found in publication PMID: 35346344, PMCID: PMC8962531

Labcorp Genetics (formerly Invitae), Labcorp
Classification: Uncertain significance for Familial adenomatous polyposis 1. Last evaluated: 2024-04-25. Review status: criteria provided, single submitter. Criteria: Invitae Variant Classification Sherloc (09022015). Collection method: clinical testing. Allele origin: germline.
Comment: This sequence change replaces aspartic acid, which is acidic and polar, with glycine, which is neutral and non-polar, at codon 364 of the APC protein (p.Asp364Gly). This variant is not present in population databases (gnomAD no frequency). This variant has not been reported in the literature in individuals affected with APC-related conditions. ClinVar contains an entry for this variant (Variation ID: 921814). Advanced modeling of protein sequence and biophysical properties (such as structural, functional, and spatial information, amino acid conservation, physicochemical variation, residue mobility, and thermodynamic stability) performed at Invitae indicates that this missense variant is not expected to disrupt APC protein function with a negative predictive value of 95%. In summary, the available evidence is currently insufficient to determine the role of this variant in disease. Therefore, it has been classified as a Variant of Uncertain Significance.

Color Diagnostics, LLC DBA Color Health
Classification: Uncertain significance for Hereditary cancer-predisposing syndrome. Last evaluated: 2024-03-07. Review status: criteria provided, single submitter. Criteria: ACMG Guidelines, 2015. Collection method: clinical testing. Allele origin: germline.
Comment: This missense variant replaces aspartic acid with glycine at codon 364 of the APC protein. Computational prediction suggests that this variant may not impact protein structure and function (internally defined REVEL score threshold <= 0.5, PMID: 27666373). To our knowledge, functional studies have not been reported for this variant. This variant has not been reported in individuals affected with hereditary cancer in the literature. This variant has not been identified in the general population by the Genome Aggregation Database (gnomAD). The available evidence is insufficient to determine the role of this variant in disease conclusively. Therefore, this variant is classified as a Variant of Uncertain Significance.

Revvity Omics, Revvity
Classification: Uncertain significance. Last evaluated: 2019-05-02. Review status: criteria provided, single submitter. Criteria: ACMG Guidelines, 2015. Collection method: clinical testing. Allele origin: germline.